The following is an entry in ClinVar:

ClinVar aggregate classification (germline): Uncertain significance. Review status: criteria provided, multiple submitters, no conflicts (2 of 4 stars). 2 submissions from 2 submitters: Uncertain significance (2). Last evaluated 2025-10-26.

Allele frequency attached by ClinVar (database versions not stated): TOPMed below 0.00001; ExAC 0.00001; gnomAD 0.00001; gnomAD exomes 0.00001.
gnomAD v4.1: 7 of 1,200,898 alleles (0.00058%); highest among the groups gnomAD compares: Non-Finnish European, 0.00068%; no homozygotes.

Submissions (2):

Labcorp Genetics (formerly Invitae), Labcorp
Classification: Uncertain significance. Last evaluated: 2025-10-26. Review status: criteria provided, single submitter. Criteria: Invitae Variant Classification Sherloc (09022015). Collection method: clinical testing. Allele origin: germline.
Comment: This sequence change replaces glycine, which is neutral and non-polar, with arginine, which is basic and polar, at codon 15 of the NEXMIF protein (p.Gly15Arg). This variant is present in population databases (rs752877406, gnomAD 0.003%), including at least one homozygous and/or hemizygous individual. This variant has not been reported in the literature in individuals affected with NEXMIF-related conditions. ClinVar contains an entry for this variant (Variation ID: 1407141). An algorithm developed to predict the effect of missense changes on protein structure and function (PolyPhen-2) suggests that this variant is likely to be tolerated. In summary, the available evidence is currently insufficient to determine the role of this variant in disease. Therefore, it has been classified as a Variant of Uncertain Significance.

Blueprint Genetics
Classification: Uncertain significance. Last evaluated: 2021-09-27. Review status: criteria provided, single submitter. Criteria: ACMG Guidelines, 2015. Collection method: clinical testing. Allele origin: germline.

NM_001008537.3(NEXMIF):c.43G>A (p.Gly15Arg)

Gene: NEXMIF (neurite extension and migration factor; minus strand). Cytogenetic location: Xq13.3.
Variant type: single nucleotide variant.
Coding change: c.43G>A on transcript NM_001008537.3 (MANE Select); coding-DNA position 43, G replaced by A.
Protein change: p.Gly15Arg; replaces glycine 15 with arginine.
Molecular consequence: missense variant.
Genome position (GRCh38, 1-based): chrX:74,745,608, C>T on the plus strand (G>A on the coding strand, the complement: NEXMIF is on the minus strand). VCF-style: chrX-74745608-C-T. GRCh37 (hg19) VCF-style: chrX-73965443-C-T.
Other names: short protein forms G15R.
Identifiers: ClinVar variation 1407141 (VCV001407141.9), dbSNP rs752877406, ClinGen allele CA10455280.